The following is an entry in ClinVar:

ClinVar aggregate classification (germline): Uncertain significance (0 of 4 stars; one submission).

Conditions:
MTOR-related disorder. Also called: MTOR-related condition.

Allele frequency attached by ClinVar (database versions not stated): gnomAD exomes 0.00001.
gnomAD v4.1: 8 of 1,613,972 alleles (0.0005%); highest among the groups gnomAD compares: Non-Finnish European, 0.00068%; no homozygotes.

Submission:

PreventionGenetics, part of Exact Sciences
Classification: Uncertain significance for MTOR-related condition. Last evaluated: 2023-11-03. Review status: no assertion criteria provided. Collection method: clinical testing. Allele origin: germline.
Comment: The MTOR c.239C>T variant is predicted to result in the amino acid substitution p.Ala80Val. To our knowledge, this variant has not been reported in the literature or in a large population database, indicating this variant is rare. At this time, the clinical significance of this variant is uncertain due to the absence of conclusive functional and genetic evidence.

NM_004958.4(MTOR):c.239C>T (p.Ala80Val)

Gene: MTOR (mechanistic target of rapamycin kinase; minus strand). Cytogenetic location: 1p36.22.
Variant type: single nucleotide variant.
Coding change: c.239C>T on transcript NM_004958.4 (MANE Select); coding-DNA position 239, C replaced by T.
Protein change: p.Ala80Val; replaces alanine 80 with valine.
Molecular consequence: missense variant. On other transcripts: 5 prime UTR variant (1).
Genome position (GRCh38, 1-based): chr1:11,258,517, G>A on the plus strand (C>T on the coding strand, the complement: MTOR is on the minus strand). VCF-style: chr1-11258517-G-A. GRCh37 (hg19) VCF-style: chr1-11318574-G-A.
Other names: c.239C>T, p.Ala80Val (NM_001386500.1); c.-901C>T (NM_001386501.1); short protein forms A80V.
Identifiers: ClinVar variation 3055270 (VCV003055270.2), dbSNP rs2523469182, ClinGen allele CA338404752.